The following is an entry in ClinVar:

ClinVar aggregate classification (germline): Pathogenic/Likely pathogenic. Review status: criteria provided, multiple submitters, no conflicts (2 of 4 stars). 3 submissions from 3 submitters: Pathogenic (2); Likely pathogenic (1). Last evaluated 2023-08-25.

Conditions:
Marshall-Smith syndrome (MRSHSS). Identifiers: Orphanet 561, MedGen C0265211, MONDO:0011244, OMIM 602535.
Inborn genetic diseases. Identifiers: MedGen C0950123, MeSH D030342.

Submissions (3):

Ambry Genetics
Classification: Pathogenic for Inborn genetic diseases. Last evaluated: 2023-08-25. Review status: criteria provided, single submitter. Criteria: Ambry Variant Classification Scheme 2023. Collection method: clinical testing. Allele origin: germline.
Comment: The c.154G>T (p.E52*) alteration, located in exon 2 (coding exon 2) of the NFIX gene, consists of a G to T substitution at nucleotide position 154. This changes the amino acid from a glutamic acid (E) to a stop codon at amino acid position 52. This alteration is expected to result in loss of function by premature protein truncation or nonsense-mediated mRNA decay._x000D_ _x000D_ _x000D_ _x000D_ _x000D_ _x000D_ for autosomal dominant Malan overgrowth syndrome; however, its clinical significance for autosomal dominant Marshall-Smith syndrome is uncertain. This variant was not reported in population-based cohorts in the Genome Aggregation Database (gnomAD). Based on the available evidence, this alteration is classified as pathogenic.

Mendelics
Classification: Pathogenic for Marshall-Smith syndrome. Last evaluated: 2022-05-04. Review status: criteria provided, single submitter. Criteria: Mendelics Assertion Criteria 2019. Collection method: clinical testing. Allele origin: germline.

CeGaT Center for Human Genetics Tuebingen
Classification: Likely pathogenic. Last evaluated: 2017-08-01. Review status: criteria provided, single submitter. Criteria: CeGaT Center For Human Genetics Tuebingen Variant Classification Criteria Version 2. Collection method: clinical testing. Allele origin: germline. Affected: yes. Observed: 1 variant allele.

NM_001365902.3(NFIX):c.154G>T (p.Glu52Ter)

Gene: NFIX (nuclear factor I X; plus strand). Cytogenetic location: 19p13.13.
Variant type: single nucleotide variant.
Coding change: c.154G>T on transcript NM_001365902.3 (MANE Select); coding-DNA position 154, G replaced by T.
Protein change: p.Glu52Ter; replaces glutamic acid 52 with a stop codon.
Molecular consequence: nonsense.
Genome position (GRCh38, 1-based): chr19:13,025,147, G>T. VCF-style: chr19-13025147-G-T. GRCh37 (hg19) VCF-style: chr19-13135961-G-T.
Other names: c.154G>T (NM_002501.2); c.178G>T, p.Glu60Ter (NM_001271043.2); c.130G>T, p.Glu44Ter (NM_001271044.3, NM_001378404.1); c.154G>T, p.Glu52Ter (NM_001365982.2, NM_002501.4); c.13G>T, p.Glu5Ter (NM_001365983.2); c.151G>T, p.Glu51Ter (NM_001365984.2, NM_001365985.2); c.202G>T, p.Glu68Ter (NM_001378405.1); short protein forms E52*, E44*, E5*, E51*, E60*, E68*.
Identifiers: ClinVar variation 493246 (VCV000493246.46), dbSNP rs1555696499, ClinGen allele CA404313455.